The following is an entry in ClinVar:

NM_001130965.3(SUN1):c.319G>A (p.Val107Met)

Gene: SUN1 (Sad1 and UNC84 domain containing 1; plus strand). Cytogenetic location: 7p22.3.
Variant type: single nucleotide variant.
Coding change: c.319G>A on transcript NM_001130965.3 (MANE Select); coding-DNA position 319, G replaced by A.
Protein change: p.Val107Met; replaces valine 107 with methionine.
Molecular consequence: missense variant. On other transcripts: 5 prime UTR variant (4), non-coding transcript variant (3).
Genome position (GRCh38, 1-based): chr7:841,998, G>A. VCF-style: chr7-841998-G-A. GRCh37 (hg19) VCF-style: chr7-881635-G-A.
Other names: c.319G>A, p.Val107Met (NM_001367698.1, NM_001367699.1, NM_001367700.1 and 34 more transcripts); c.169G>A, p.Val57Met (NM_001367701.1, NM_001367636.1, NM_001367637.1 and 24 more transcripts); c.382G>A, p.Val128Met (NM_001171945.2); c.-139G>A (NM_001367635.1); c.-249G>A (NM_001367639.1, NM_001367708.1); c.538G>A, p.Val180Met (NM_001367651.1); c.-443G>A (NM_001367658.1); c.130G>A, p.Val44Met (NM_001367695.1); and 1 more; short protein forms V180M, V57M, V128M, V44M, V107M.
Identifiers: ClinVar variation 1361622 (VCV001361622.9), dbSNP rs376335038, ClinGen allele CA4111467.

ClinVar aggregate classification (germline): Uncertain significance. Review status: criteria provided, multiple submitters, no conflicts (2 of 4 stars). 2 submissions from 2 submitters: Uncertain significance (2). Last evaluated 2025-11-13.

Conditions:
Emery-Dreifuss muscular dystrophy (EDMD). Also called: Scapuloperoneal syndrome, X-linked (formerly); Humeroperoneal neuromuscular disease, (formerly). Identifiers: Orphanet 261, MedGen C0410189, MONDO:0016830.

Allele frequency attached by ClinVar (database versions not stated): gnomAD exomes 0.00001 and 0.00002; ExAC 0.00002; ESP Exome Variant Server 0.00008; gnomAD 0.00011; TOPMed 0.00011.

Submissions (2):

Ambry Genetics
Classification: Uncertain significance. Last evaluated: 2025-11-13. Review status: criteria provided, single submitter. Criteria: Ambry Variant Classification Scheme 2023. Collection method: clinical testing. Allele origin: germline.

Labcorp Genetics (formerly Invitae), Labcorp
Classification: Uncertain significance for Emery-Dreifuss muscular dystrophy. Last evaluated: 2025-10-07. Review status: criteria provided, single submitter. Criteria: Invitae Variant Classification Sherloc (09022015). Collection method: clinical testing. Allele origin: germline.
Comment: This sequence change replaces valine, which is neutral and non-polar, with methionine, which is neutral and non-polar, at codon 107 of the SUN1 protein (p.Val107Met). This variant is present in population databases (rs376335038, gnomAD 0.03%). This variant has not been reported in the literature in individuals affected with SUN1-related conditions. ClinVar contains an entry for this variant (Variation ID: 1361622). An algorithm developed to predict the effect of missense changes on protein structure and function outputs the following: PolyPhen-2: "Benign". The methionine amino acid residue is found in multiple mammalian species, which suggests that this missense change does not adversely affect protein function. In summary, the available evidence is currently insufficient to determine the role of this variant in disease. Therefore, it has been classified as a Variant of Uncertain Significance.